The following is an entry in ClinVar:

ClinVar aggregate classification (germline): Pathogenic/Likely pathogenic. Review status: criteria provided, multiple submitters, no conflicts (2 of 4 stars). 16 submissions from 16 submitters: Pathogenic (9); Likely pathogenic (2). 5 of the submissions do not count toward it. Last evaluated 2026-09-22.

Conditions:
Imerslund-Grasbeck syndrome type 1 (IGS1). Also called: Megaloblastic anemia 1, Finnish type; MEGALOBLASTIC ANEMIA, 1; Imerslund-Gräsbeck syndrome 1. Identifiers: MedGen C4016819, MONDO:0100156, OMIM 261100.
Proteinuria, chronic benign. Identifiers: MedGen C5394384, MONDO:0030042, OMIM 618884.
CUBN-related disorders.
Autosomal recessive CUBN-related disorders.
CUBN-related disorder. Also called: CUBN-related condition.
Autism spectrum disorder. Also called: Autism spectrum disorders. Identifiers: MedGen C1510586, MeSH D000067877, MONDO:0005258.
Imerslund-Grasbeck syndrome. Also called: Megaloblastic anemia due to inborn errors of metabolism; PERNICIOUS ANEMIA, JUVENILE, DUE TO SELECTIVE INTESTINAL MALABSORPTION OF VITAMIN B12, WITH PROTEINURIA; Imerslund-Gräsbeck syndrome; ENTEROCYTE COBALAMIN MALABSORPTION; ENTEROCYTE INTRINSIC FACTOR RECEPTOR, DEFECT OF. Identifiers: Orphanet 35858, MedGen C4551825, MONDO:0009853.

Allele frequency attached by ClinVar (database versions not stated): ESP Exome Variant Server 0.00031; ExAC 0.00008; gnomAD exomes 0.00013; TOPMed 0.00013; gnomAD 0.00015 and 0.00019.
gnomAD v4.1: 357 of 1,614,030 alleles (0.022%); highest among the groups gnomAD compares: Non-Finnish European, 0.027%; 1 homozygote.

Submissions (16):

GeneDx
Classification: Likely pathogenic. Last evaluated: 2026-09-22. Review status: criteria provided, single submitter. Criteria: GeneDx Variant Classification Process June 2021. Collection method: clinical testing. Allele origin: germline.
Comment: Nonsense variant predicted to result in protein truncation or nonsense mediated decay in a gene for which loss of function is a known mechanism of disease; This variant is associated with the following publications: (PMID: 25635822, 31589614, 35064937, 31613795, 38287090, 39911140, 42420527, Rashid2026[Case Report])

Genesolutions, Medical Genetics Institutes, Ho Chi Minh City, Vietnam
Classification: Pathogenic for Imerslund-Grasbeck syndrome type 1. Last evaluated: 2025-09-24. Review status: criteria provided, single submitter. Criteria: ACMG Guidelines, 2015. Collection method: clinical testing. Allele origin: germline. Affected: yes.

Variantyx, Inc.
Classification: Pathogenic for Autosomal recessive CUBN-related disorders. Last evaluated: 2025-09-08. Review status: criteria provided, single submitter. Criteria: Variantyx Assertion Criteria 2022. Collection method: clinical testing. Allele origin: germline. Inheritance: Autosomal recessive inheritance. Affected: no.
Comment: This is a nonsense variant in the CUBN gene (OMIM: 602997). Pathogenic variants in this gene have been associated with autosomal recessive CUBN-related disorders. This variant introduces a premature termination codon in exon 37 out of 67 and is expected to result in loss of function, which is a known disease mechanism for CUBN in this disorder (PMID: 10080186, 15024727, 24156255) (PVS1). This variant has been reported in the compound heterozygous state in an individual with chronic kidney disease who carried a second variant of uncertain significance, and at least in 2 unrelated individuals who carried a second pathogenic variant of unknown phase in this gene (PMID: 31613795, 35064937) (PM3). It has a 0.0577% maximum allele frequency in non-founder control populations (PM2). Based on the current evidence, this variant is classified as pathogenic for autosomal recessive CUBN-related disorders.

Victorian Clinical Genetics Services, Murdoch Childrens Research Institute
Classification: Pathogenic for Proteinuria, chronic benign. Last evaluated: 2025-07-17. Review status: criteria provided, single submitter. Criteria: ACMG Guidelines, 2015. Collection method: clinical testing. Allele origin: germline. Affected: yes.
Comment: This variant is classified as Pathogenic. Evidence in support of pathogenic classification: Variant is predicted to cause nonsense-mediated decay (NMD) and loss of protein (premature termination codon is located at least 54 nucleotides upstream of the final exon-exon junction); Variant is present in gnomAD <0.01 for a recessive condition (v4: 355 heterozygote(s), 1 homozygote(s)); This variant has strong previous evidence of pathogenicity in unrelated individuals. This variant has been classified as likely pathogenic/pathogenic by multiple clinical laboratories in Clinvar. Additionally, it has been reported in the literature in two individuals with kidney disease with the p.(Arg2030*) variant, with and without segregation (PMID: 31613795, 35064937). However, in one of these individuals these two variants were confirmed to be in cis by parental segregation (ClinVar); Other NMD-predicted variant(s) comparable to the one identified in this case have very strong previous evidence for pathogenicity (ClinVar). Additional information: This variant is heterozygous; This gene is associated with autosomal recessive disease; Loss of function is a known mechanism of disease in this gene and is associated with proteinuria, chronic benign MIM#618884 and Imerslund-Grasbeck syndrome 1 MIM#261100. Variants downstream of the vitamin B12/IF-binding domain are associated with isolated proteinuria (PMID: 31613795); Inheritance information for this variant is not currently available in this individual.

Labcorp Genetics (formerly Invitae), Labcorp
Classification: Pathogenic for Imerslund-Grasbeck syndrome. Last evaluated: 2025-05-30. Review status: criteria provided, single submitter. Criteria: Invitae Variant Classification Sherloc (09022015). Collection method: clinical testing. Allele origin: germline.
Comment: This sequence change creates a premature translational stop signal (p.Arg1810*) in the CUBN gene. It is expected to result in an absent or disrupted protein product. Loss-of-function variants in CUBN are known to be pathogenic (PMID: 15024727, 22929189, 25349199, 31613795, 34979989). This variant is present in population databases (rs143944436, gnomAD 0.02%). This premature translational stop signal has been observed in individual(s) with clinical features of Imerslund-Gräsbeck syndrome (PMID: 31613795). ClinVar contains an entry for this variant (Variation ID: 581662). For these reasons, this variant has been classified as Pathogenic.

3billion
Classification: Pathogenic for Imerslund-Grasbeck syndrome type 1. Last evaluated: 2024-12-26. Review status: criteria provided, single submitter. Criteria: ACMG Guidelines, 2015. Collection method: clinical testing. Allele origin: germline. Affected: yes.
Comment: The variant is observed at an extremely low frequency in the gnomAD v4.1.0 dataset (total allele frequency: 0.022%). Predicted Consequence/Location: Stop-gained (nonsense): predicted to result in a loss or disruption of normal protein function through nonsense-mediated decay (NMD) or protein truncation. Multiple pathogenic variants are reported downstream of the variant. The variant has been reported at least twice as pathogenic with clinical assertions and evidence for the classification (ClinVar ID: VCV000581662 /PMID: 31613795 /3billion dataset). Therefore, this variant is classified as Pathogenic according to the recommendation of ACMG/AMP guideline.

PreventionGenetics, part of Exact Sciences
Classification: Pathogenic for CUBN-related condition. Last evaluated: 2024-11-09. Review status: criteria provided, single submitter. Criteria: ACMG Guidelines, 2015. Collection method: clinical testing. Allele origin: germline.
Comment: The CUBN c.5428C>T variant is predicted to result in premature protein termination (p.Arg1810*). This variant was reported with a second CUBN variant in two patients with kidney disease although the phase of the variants was not determined (Supp. Table 2, Bedin et al. 2020. PubMed ID: 31613795). Of note, the c.5428C>T (p.Arg1810*) variant has been reported with the c.6088C>T (p.Arg2030*) variant in two patients in the literature, but segregation analysis was not completed to determine phase (Family 21 in Supp Table 2, Bedin et al. 2020. PubMed ID: 31613795; Case #20 in Supp. Table 3, Lu et al. 2022. PubMed ID: 35064937). This variant is reported in 0.024% of alleles in individuals of African descent in gnomAD. Nonsense variants in CUBN are expected to be pathogenic. This variant is interpreted as pathogenic.

Blueprint Genetics
Classification: Likely pathogenic for CUBN-related disorders. Last evaluated: 2024-09-21. Review status: criteria provided, single submitter. Criteria: ACMG Guidelines, 2015. Collection method: clinical testing. Allele origin: germline. Affected: yes. Observed: 5 variant alleles.

Fulgent Genetics
Classification: Pathogenic for Imerslund-Grasbeck syndrome type 1; Proteinuria, chronic benign. Last evaluated: 2024-02-14. Review status: criteria provided, single submitter. Criteria: ACMG Guidelines, 2015. Collection method: clinical testing. Allele origin: germline.

Revvity Omics, Revvity
Classification: Pathogenic. Last evaluated: 2023-06-19. Review status: criteria provided, single submitter. Criteria: ACMG Guidelines, 2015. Collection method: clinical testing. Allele origin: germline.

Juno Genomics, Hangzhou Juno Genomics, Inc
Classification: Pathogenic for Proteinuria, chronic benign; Imerslund-Grasbeck syndrome type 1. Review status: criteria provided, single submitter. Criteria: ACMG Guidelines, 2015. Collection method: clinical testing. Allele origin: germline.
Comment: Absent from controls (or at extremely low frequency if recessive) in Genome Aggregation Database.;Null variant in a gene where loss of function (LOF) is a known mechanism of disease.;For recessive disorders, detected in trans with a pathogenic variant.

Gene Friend Way, National Innovation Center
Classification: Likely pathogenic for Autism spectrum disorder. Last evaluated: 2023-07-28. Review status: no assertion criteria provided. Collection method: clinical testing. Allele origin: unknown. Affected: yes. Observed: 2 variant alleles. Not counted in ClinVar's aggregate classification.
Comment: Nonsense variant predicted to result in protein truncation or nonsense mediated decay in a gene for which loss-of-function is a known mechanism of disease. In our study, two children diagnosed with severe Autism Spectrum Disorder (ASD) are carriers of this mutation, among the two patients, one also carries another variant known to associate with ASD (SRD5A2 (rs9332964)).

Bioscientia Institut fuer Medizinische Diagnostik GmbH, Sonic Healthcare
Classification: Likely pathogenic for Imerslund-Grasbeck syndrome type 1. Last evaluated: 2018-05-09. Review status: no assertion criteria provided. Collection method: clinical testing. Allele origin: germline. Affected: yes. Not counted in ClinVar's aggregate classification.

SingHealth Duke-NUS Institute of Precision Medicine
Classification: Likely pathogenic for Imerslund-Grasbeck syndrome type 1. Last evaluated: 2017-06-07. Review status: no assertion criteria provided. Collection method: curation. Allele origin: germline. Affected: no. Not counted in ClinVar's aggregate classification.

Clinical Genetics DNA and cytogenetics Diagnostics Lab, Erasmus MC, Erasmus Medical Center
Classification: Pathogenic. Review status: no assertion criteria provided. Collection method: clinical testing. Allele origin: germline. Affected: yes. Study: VKGL Data-share Consensus. Not counted in ClinVar's aggregate classification.

Joint Genome Diagnostic Labs from Nijmegen and Maastricht, Radboudumc and MUMC+
Classification: Pathogenic. Review status: no assertion criteria provided. Collection method: clinical testing. Allele origin: germline. Affected: yes. Study: VKGL Data-share Consensus. Not counted in ClinVar's aggregate classification.

Literature cited by the submitters: PubMed 15024727 (cited by Variantyx, Inc. and Labcorp Genetics (formerly Invitae), Labcorp); PubMed 22929189 (cited by Variantyx, Inc. and Labcorp Genetics (formerly Invitae), Labcorp); PubMed 25349199 (cited by Variantyx, Inc. and Labcorp Genetics (formerly Invitae), Labcorp); PubMed 31613795 (cited by 4 submitters); PubMed 34979989 (cited by Variantyx, Inc. and Labcorp Genetics (formerly Invitae), Labcorp); PubMed 35064937 (cited by Variantyx, Inc. and Victorian Clinical Genetics Services, Murdoch Childrens Research Institute).

NM_001081.4(CUBN):c.5428C>T (p.Arg1810Ter)

Gene: CUBN (cubilin; minus strand). Cytogenetic location: 10p13.
Variant type: single nucleotide variant.
Coding change: c.5428C>T on transcript NM_001081.4 (MANE Select); coding-DNA position 5428, C replaced by T.
Protein change: p.Arg1810Ter; replaces arginine 1810 with a stop codon.
Molecular consequence: nonsense.
Genome position (GRCh38, 1-based): chr10:16,940,152, G>A on the plus strand (C>T on the coding strand, the complement: CUBN is on the minus strand). VCF-style: chr10-16940152-G-A. GRCh37 (hg19) VCF-style: chr10-16982151-G-A.
Other names: short protein forms R1810*.
Identifiers: ClinVar variation 581662 (VCV000581662.35), dbSNP rs143944436, ClinGen allele CA5424004.